The following is an entry in ClinVar:

NM_030962.4(SBF2):c.1408C>A (p.Pro470Thr)

Gene: SBF2 (SET binding factor 2; minus strand). Cytogenetic location: 11p15.4.
Variant type: single nucleotide variant.
Coding change: c.1408C>A on transcript NM_030962.4 (MANE Select); coding-DNA position 1408, C replaced by A.
Protein change: p.Pro470Thr; replaces proline 470 with threonine.
Molecular consequence: missense variant.
Genome position (GRCh38, 1-based): chr11:9,968,533, G>T on the plus strand (C>A on the coding strand, the complement: SBF2 is on the minus strand). VCF-style: chr11-9968533-G-T. GRCh37 (hg19) VCF-style: chr11-9990080-G-T.
Other names: c.1408C>A, p.Pro470Thr (NM_001386339.1); c.1279C>A, p.Pro427Thr (NM_001386342.1); short protein forms P470T, P427T.
Identifiers: ClinVar variation 862942 (VCV000862942.14), dbSNP rs149967939, ClinGen allele CA5881829.

ClinVar aggregate classification (germline): Uncertain significance. Review status: criteria provided, multiple submitters, no conflicts (2 of 4 stars). 4 submissions from 4 submitters: Uncertain significance (4). Last evaluated 2026-07-07.

Conditions:
Charcot-Marie-Tooth disease type 4. Also called: Charcot-Marie-Tooth disease, type IV; Charcot-Marie-Tooth, Type 4. Identifiers: Orphanet 64749, MedGen C4082197, MONDO:0018995.
Charcot-Marie-Tooth disease type 4B2. Also called: Charcot-Marie-Tooth Neuropathy Type 4B2; CHARCOT-MARIE-TOOTH DISEASE, WITH FOCALLY FOLDED MYELIN SHEATHS, AUTOSOMAL RECESSIVE, TYPE 4B2; CMT 4B2; CHARCOT-MARIE-TOOTH DISEASE, DEMYELINATING, TYPE 4B2. Identifiers: Orphanet 99956, MedGen C1858278, MONDO:0011475, OMIM 604563.
SBF2-related disorder. Also called: SBF2-related condition.

Allele frequency attached by ClinVar (database versions not stated): gnomAD exomes 0.00003 and 0.00013; ExAC 0.00017; ESP Exome Variant Server 0.00038; gnomAD 0.00051 and 0.00052; TOPMed 0.00053; 1000 Genomes Project 30x 0.00094; 1000 Genomes Project 0.00100.
gnomAD v4.1: 138 of 1,613,424 alleles (0.0086%); highest among the groups gnomAD compares: African/African-American, 0.15%; no homozygotes.

Submissions (4):

PreventionGenetics, part of Exact Sciences
Classification: Uncertain significance for SBF2-related condition. Last evaluated: 2026-07-07. Review status: criteria provided, single submitter. Criteria: ACMG Guidelines, 2015. Collection method: clinical testing. Allele origin: germline.
Comment: The SBF2 c.1408C>A variant is predicted to result in the amino acid substitution p.Pro470Thr. To our knowledge, this variant has not been reported in the literature. This variant is reported in 0.16% of alleles in individuals of African descent in gnomAD. Although we suspect that this variant may be benign, at this time, the clinical significance of this variant is uncertain due to the absence of conclusive functional and genetic evidence.

Blueprint Genetics
Classification: Uncertain significance. Last evaluated: 2022-10-20. Review status: criteria provided, single submitter. Criteria: ACMG Guidelines, 2015. Collection method: clinical testing. Allele origin: germline.

Labcorp Genetics (formerly Invitae), Labcorp
Classification: Uncertain significance for Charcot-Marie-Tooth disease type 4. Last evaluated: 2022-07-08. Review status: criteria provided, single submitter. Criteria: Invitae Variant Classification Sherloc (09022015). Collection method: clinical testing. Allele origin: germline.
Comment: This sequence change replaces proline, which is neutral and non-polar, with threonine, which is neutral and polar, at codon 470 of the SBF2 protein (p.Pro470Thr). This variant is present in population databases (rs149967939, gnomAD 0.2%). This variant has not been reported in the literature in individuals affected with SBF2-related conditions. ClinVar contains an entry for this variant (Variation ID: 862942). Algorithms developed to predict the effect of missense changes on protein structure and function are either unavailable or do not agree on the potential impact of this missense change (SIFT: "Deleterious"; PolyPhen-2: "Probably Damaging"; Align-GVGD: "Class C0"). In summary, the available evidence is currently insufficient to determine the role of this variant in disease. Therefore, it has been classified as a Variant of Uncertain Significance.

Illumina Laboratory Services, Illumina
Classification: Uncertain significance for Charcot-Marie-Tooth disease type 4B2. Last evaluated: 2017-04-27. Review status: criteria provided, single submitter. Criteria: ICSL Variant Classification Criteria 13 December 2019. Collection method: clinical testing. Allele origin: germline.